The following is an entry in ClinVar:

ClinVar aggregate classification (germline): Uncertain significance. Review status: criteria provided, multiple submitters, no conflicts (2 of 4 stars). 2 submissions from 2 submitters: Uncertain significance (2). Last evaluated 2025-08-11.

Conditions:
Inborn genetic diseases. Identifiers: MedGen C0950123, MeSH D030342.

Submissions (2):

Ambry Genetics
Classification: Uncertain significance for Inborn genetic diseases. Last evaluated: 2025-08-11. Review status: criteria provided, single submitter. Criteria: Ambry Variant Classification Scheme 2023. Collection method: clinical testing. Allele origin: germline.

Women's Health and Genetics/Laboratory Corporation of America, LabCorp
Classification: Uncertain significance. Last evaluated: 2023-08-31. Review status: criteria provided, single submitter. Criteria: LabCorp Variant Classification Summary - May 2015. Collection method: clinical testing. Allele origin: germline.
Comment: Variant summary: CACNA1A c.2539G>A (p.Asp847Asn) results in a conservative amino acid change in the encoded protein sequence. Four of five in-silico tools predict a benign effect of the variant on protein function. The variant was absent in 244308 control chromosomes (gnomAD). The available data on variant occurrences in the general population are insufficient to allow any conclusion about variant significance. To our knowledge, no occurrence of c.2539G>A in individuals affected with Epileptic Encephalopathy, Early Infantile, 42 and no experimental evidence demonstrating its impact on protein function have been reported. No submitters have cited clinical-significance assessments for this variant to ClinVar after 2014. Based on the evidence outlined above, the variant was classified as uncertain significance.

NM_001127222.2(CACNA1A):c.2536G>A (p.Asp846Asn)

Gene: CACNA1A (calcium voltage-gated channel subunit alpha1 A; minus strand). Cytogenetic location: 19p13.13.
Variant type: single nucleotide variant.
Coding change: c.2536G>A on transcript NM_001127222.2 (MANE Select); coding-DNA position 2536, G replaced by A.
Protein change: p.Asp846Asn; replaces aspartic acid 846 with asparagine.
Molecular consequence: missense variant.
Genome position (GRCh38, 1-based): chr19:13,299,097, C>T on the plus strand (G>A on the coding strand, the complement: CACNA1A is on the minus strand). VCF-style: chr19-13299097-C-T. GRCh37 (hg19) VCF-style: chr19-13409911-C-T.
Other names: c.2548G>A, p.Asp850Asn (NM_000068.4, NM_023035.3); c.2539G>A, p.Asp847Asn (NM_001127221.2, NM_001174080.2); short protein forms D846N, D847N, D850N.
Identifiers: ClinVar variation 2581465 (VCV002581465.2), dbSNP rs2512909310, ClinGen allele CA404343240.
Genomic context (GRCh38, chr19:13,299,097, plus strand): 5'-CGTGGTAGCGGGCCTGTTTCCTGAGGAAGTCCTCGGCGCGCTGCTGGCCGAGGCGCTGGT[C>T]CACGGTGGGCTCGGCCGCCCGGCTCTTGTTGGTGTTGTTGTTGCGGTTCTCCTGCGGGTC-3'
Protein context (NP_001120694.1, residues 836-856): NKSRAAEPTV[Asp846Asn]QRLGQQRAED